The following is an entry in ClinVar:

ClinVar aggregate classification (germline): Likely pathogenic (1 of 4 stars; one submission).

Conditions:
Neurodegeneration with ataxia, dystonia, and gaze palsy, childhood-onset (NADGP). Identifiers: MedGen C4310693, MONDO:0014940, OMIM 617145.

Submission:

Neuberg Centre For Genomic Medicine, NCGM
Classification: Likely pathogenic for Neurodegeneration with ataxia, dystonia, and gaze palsy, childhood-onset. Review status: criteria provided, single submitter. Criteria: ACMG Guidelines, 2015. Collection method: clinical testing. Allele origin: germline. Inheritance: Autosomal recessive inheritance. Affected: yes.
Comment: The splice site c.969+1G>C variant has not been reported previously as a pathogenic variant nor as a benign variant, to our knowledge. The c.969+1G>C variant is novel (not in any individuals) in gnomAD Exomes and 1000 Genomes. This variant has not been reported to the ClinVar database. Loss of function variants have been previously reported to be disease causing. For these reasons, this variant has been classified as Likely Pathogenic.

NM_003900.5(SQSTM1):c.969+1G>C

Gene: SQSTM1 (sequestosome 1; plus strand). Cytogenetic location: 5q35.3.
Variant type: single nucleotide variant.
Coding change: c.969+1G>C on transcript NM_003900.5 (MANE Select); the canonical splice donor site of the intron after coding-DNA position 969, G replaced by C.
Molecular consequence: splice donor variant.
Genome position (GRCh38, 1-based): chr5:179,833,247, G>C. VCF-style: chr5-179833247-G-C. GRCh37 (hg19) VCF-style: chr5-179260247-G-C.
Other names: c.717+1G>C (NM_001142298.2, NM_001142299.2).
Identifiers: ClinVar variation 2585020 (VCV002585020.1), dbSNP rs1304560157, ClinGen allele CA362452230.
Genomic context (GRCh38, chr5:179,833,247, plus strand): 5'-ACGCAGTCTCTGGCGGAGCAGATGAGGAAGATCGCCTTGGAGTCCGAGGGGCGCCCTGAG[G>C]CAAGCCTGTGCCCCTCCCGCCACCTGGGACCACGGCCAGCCTAGTGATCTGTGGCCTGCA-3'